The following is an entry in ClinVar:

NM_213720.3(CHCHD10):c.262-4C>G

Gene: CHCHD10 (coiled-coil-helix-coiled-coil-helix domain containing 10; minus strand). Cytogenetic location: 22q11.23.
Variant type: single nucleotide variant.
Coding change: c.262-4C>G on transcript NM_213720.3 (MANE Select); 4 bases into the intron before coding-DNA position 262, C replaced by G.
Molecular consequence: intron variant. On other transcripts: synonymous variant (1).
Genome position (GRCh38, 1-based): chr22:23,766,279, G>C on the plus strand (C>G on the coding strand, the complement: CHCHD10 is on the minus strand). VCF-style: chr22-23766279-G-C. GRCh37 (hg19) VCF-style: chr22-24108466-G-C.
Other names: c.279C>G, p.Pro93= (NM_001301339.2).
Identifiers: ClinVar variation 2930270 (VCV002930270.3), dbSNP rs1021130344, ClinGen allele CA322572827.

ClinVar aggregate classification (germline): Uncertain significance (1 of 4 stars; one submission).

Conditions:
Lower motor neuron syndrome with late-adult onset (SMAJ). Also called: Spinal muscular atrophy, Jokela type; Late-Onset Spinal Motor Neuronopathy (SMAJ). Identifiers: Orphanet 276435, MedGen C3554398, MONDO:0014025, OMIM 615048.
Autosomal dominant mitochondrial myopathy with exercise intolerance (IMMD). Also called: Myopathy, isolated mitochondrial, autosomal dominant. Identifiers: Orphanet 457050, MedGen C4015513, MONDO:0014532, OMIM 616209.
Frontotemporal dementia and/or amyotrophic lateral sclerosis 2. Also called: FTDALS2. Identifiers: Orphanet 275872, MedGen C4014648, MONDO:0014395, OMIM 615911.

gnomAD v4.1: 2 of 1,546,150 alleles (0.00013%); highest among the groups gnomAD compares: South Asian, 0.0012%; no homozygotes.

Submission:

Labcorp Genetics (formerly Invitae), Labcorp
Classification: Uncertain significance for Lower motor neuron syndrome with late-adult onset; Frontotemporal dementia and/or amyotrophic lateral sclerosis 2; Autosomal dominant mitochondrial myopathy with exercise intolerance. Last evaluated: 2022-12-17. Review status: criteria provided, single submitter. Criteria: Invitae Variant Classification Sherloc (09022015). Collection method: clinical testing. Allele origin: germline.
Comment: In summary, the available evidence is currently insufficient to determine the role of this variant in disease. Therefore, it has been classified as a Variant of Uncertain Significance. Algorithms developed to predict the effect of sequence changes on RNA splicing suggest that this variant may disrupt the consensus splice site. This variant has not been reported in the literature in individuals affected with CHCHD10-related conditions. This variant is not present in population databases (gnomAD no frequency). This sequence change falls in intron 2 of the CHCHD10 gene. It does not directly change the encoded amino acid sequence of the CHCHD10 protein.